The following is an entry in ClinVar:

ClinVar aggregate classification (germline): Uncertain significance. Review status: criteria provided, multiple submitters, no conflicts (2 of 4 stars). 3 submissions from 3 submitters: Uncertain significance (3). Last evaluated 2023-11-13.

Conditions:
Atrioventricular septal defect 4 (AVSD4). Identifiers: MedGen C3280781, MONDO:0013747, OMIM 614430.

Allele frequency attached by ClinVar (database versions not stated): gnomAD exomes 0.00001; gnomAD 0.00001; TOPMed 0.00001.
gnomAD v4.1: 9 of 1,413,288 alleles (0.00064%); highest among the groups gnomAD compares: Non-Finnish European, 0.00082%; no homozygotes.

Submissions (3):

Labcorp Genetics (formerly Invitae), Labcorp
Classification: Uncertain significance for Atrioventricular septal defect 4. Last evaluated: 2023-11-13. Review status: criteria provided, single submitter. Criteria: Invitae Variant Classification Sherloc (09022015). Collection method: clinical testing. Allele origin: germline.
Comment: This sequence change replaces glycine, which is neutral and non-polar, with arginine, which is basic and polar, at codon 81 of the GATA4 protein (p.Gly81Arg). This variant is not present in population databases (gnomAD no frequency). This variant has not been reported in the literature in individuals affected with GATA4-related conditions. ClinVar contains an entry for this variant (Variation ID: 472775). Advanced modeling of protein sequence and biophysical properties (such as structural, functional, and spatial information, amino acid conservation, physicochemical variation, residue mobility, and thermodynamic stability) performed at Invitae indicates that this missense variant is not expected to disrupt GATA4 protein function with a negative predictive value of 80%. In summary, the available evidence is currently insufficient to determine the role of this variant in disease. Therefore, it has been classified as a Variant of Uncertain Significance.

Revvity Omics, Revvity
Classification: Uncertain significance. Last evaluated: 2022-10-26. Review status: criteria provided, single submitter. Criteria: ACMG Guidelines, 2015. Collection method: clinical testing. Allele origin: germline.

Stanford Center for Inherited Cardiovascular Disease, Stanford University
Classification: Uncertain significance. Last evaluated: 2017-09-07. Review status: criteria provided, single submitter. Criteria: ACMG Guidelines, 2015. Collection method: provider interpretation. Allele origin: germline.

NM_001308093.3(GATA4):c.241G>A (p.Gly81Arg)

Gene: GATA4 (GATA binding protein 4). Cytogenetic location: 8p23.1.
Variant type: single nucleotide variant.
Coding change: c.241G>A on transcript NM_001308093.3 (MANE Select); coding-DNA position 241, G replaced by A.
Protein change: p.Gly81Arg; replaces glycine 81 with arginine.
Molecular consequence: missense variant. On other transcripts: intron variant (3).
Genome position (GRCh38, 1-based): chr8:11,708,553, G>A. VCF-style: chr8-11708553-G-A. GRCh37 (hg19) VCF-style: chr8-11566062-G-A.
Other names: c.241G>A, p.Gly81Arg (NM_002052.5); c.-6+7775G>A (NM_001308094.2); c.-3+539G>A (NM_001374274.1); c.-3+4249G>A (NM_001374273.1); short protein forms G81R.
Identifiers: ClinVar variation 472775 (VCV000472775.13), dbSNP rs1466334264, ClinGen allele CA370309217.
Genomic context (GRCh38, chr8:11,708,553, plus strand): 5'-TCTGCGTCCGGAGGCGCCTCGGGCGGCAGCTCCGGTGGGGCCGCGTCTGGTGCGGGGCCC[G>A]GGACCCAGCAGGGCAGCCCGGGATGGAGCCAGGCGGGAGCCGACGGAGCCGCTTACACCC-3'
Protein context (NP_001295022.1, residues 71-91): SGGAASGAGP[Gly81Arg]TQQGSPGWSQ